The following is an entry in ClinVar:

ClinVar aggregate classification (germline): Uncertain significance. Review status: criteria provided, multiple submitters, no conflicts (2 of 4 stars). 2 submissions from 2 submitters: Uncertain significance (2). Last evaluated 2025-11-13.

Conditions:
Inborn genetic diseases. Identifiers: MedGen C0950123, MeSH D030342.

Allele frequency attached by ClinVar (database versions not stated): gnomAD exomes 0.00001; TOPMed 0.00005; ExAC 0.00007; 1000 Genomes Project 30x 0.00031; 1000 Genomes Project 0.00040.
gnomAD v4.1: 11 of 1,614,214 alleles (0.00068%); highest among the groups gnomAD compares: East Asian, 0.022%; no homozygotes.

Submissions (2):

Ambry Genetics
Classification: Uncertain significance for Inborn genetic diseases. Last evaluated: 2025-11-13. Review status: criteria provided, single submitter. Criteria: Ambry Variant Classification Scheme 2023. Collection method: clinical testing. Allele origin: germline.

Labcorp Genetics (formerly Invitae), Labcorp
Classification: Uncertain significance. Last evaluated: 2025-07-13. Review status: criteria provided, single submitter. Criteria: Invitae Variant Classification Sherloc (09022015). Collection method: clinical testing. Allele origin: germline.
Comment: This sequence change replaces threonine, which is neutral and polar, with serine, which is neutral and polar, at codon 1688 of the FOCAD protein (p.Thr1688Ser). This variant is present in population databases (rs190174954, gnomAD 0.06%). This variant has not been reported in the literature in individuals affected with FOCAD-related conditions. ClinVar contains an entry for this variant (Variation ID: 2530856). Experimental studies and prediction algorithms are not available or were not evaluated, and the functional significance of this variant is currently unknown. In summary, the available evidence is currently insufficient to determine the role of this variant in disease. Therefore, it has been classified as a Variant of Uncertain Significance.

NM_001375567.1(FOCAD):c.5063C>G (p.Thr1688Ser)

Gene: FOCAD (focadhesin; plus strand). Cytogenetic location: 9p21.3.
Variant type: single nucleotide variant.
Coding change: c.5063C>G on transcript NM_001375567.1 (MANE Select); coding-DNA position 5063, C replaced by G.
Protein change: p.Thr1688Ser; replaces threonine 1688 with serine.
Molecular consequence: missense variant.
Genome position (GRCh38, 1-based): chr9:20,990,181, C>G. VCF-style: chr9-20990181-C-G. GRCh37 (hg19) VCF-style: chr9-20990180-C-G.
Other names: c.4958C>G, p.Thr1653Ser (NM_001375568.1, NM_001375570.1); c.5063C>G, p.Thr1688Ser (NM_017794.5); short protein forms T1653S, T1688S.
Identifiers: ClinVar variation 2530856 (VCV002530856.4), dbSNP rs190174954, ClinGen allele CA5008186.
Genomic context (GRCh38, chr9:20,990,181, plus strand): 5'-AGGCTTTGGACTTCTTCTTGCTGATATTTGCAACCGCAGTGGTTGCATGGGCTGACCACA[C>G]TGCCCCTCTCCTCCTCGGCCTCAGTGCCAGTTGGTTGCCATGGCATCAGGAGAATGGCCC-3'
Protein context (NP_001362496.1, residues 1678-1698): ATAVVAWADH[Thr1688Ser]APLLLGLSAS